The following is an entry in ClinVar:

ClinVar aggregate classification (germline): Uncertain significance. Review status: criteria provided, multiple submitters, no conflicts (2 of 4 stars). 5 submissions from 5 submitters: Uncertain significance (5). Last evaluated 2025-12-30.

Conditions:
MUTYH-related disorder. Also called: MUTYH-related condition; MUTYH-related disorders.
Hereditary cancer-predisposing syndrome. Also called: Neoplastic Syndromes, Hereditary; Hereditary Cancer Syndrome; Tumor predisposition; Hereditary neoplastic syndrome. Identifiers: Orphanet 140162, MedGen C0027672, MeSH D009386, MONDO:0015356.
Familial adenomatous polyposis 2. Also called: ADENOMAS, MULTIPLE COLORECTAL, AUTOSOMAL RECESSIVE; MUTYH-associated polyposis; COLORECTAL ADENOMATOUS POLYPOSIS, AUTOSOMAL RECESSIVE; MYH-associated polyposis; Adenomas, multiple colorectal; FAP type 2. Identifiers: Orphanet 220460, Orphanet 247798, MedGen C3272841, MONDO:0012041, OMIM 608456.

Submissions (5):

PreventionGenetics, part of Exact Sciences
Classification: Uncertain significance for MUTYH-related condition. Last evaluated: 2025-12-30. Review status: criteria provided, single submitter. Criteria: ACMG Guidelines, 2015. Collection method: clinical testing. Allele origin: germline.
Comment: The MUTYH c.326G>A variant is predicted to result in the amino acid substitution p.Arg109Gln. This variant was reported in the compound heterozygous state in an individual with MUTYH-associated polyposis (Guarinos et al. 2014. PubMed ID: 24470512). Another variant, c.325C>G that results in the same amino acid change has been reported in an individual with colorectal cancer (Marabelli et al. 2016. PubMed ID: 27705013). This variant is reported in 0.0046% of alleles in individuals of European (Finnish) descent in gnomAD. This variant is classified as uncertain in ClinVar (Variation ID: 492032). At this time, the clinical significance of this variant is uncertain due to the absence of conclusive functional and genetic evidence.

Labcorp Genetics (formerly Invitae), Labcorp
Classification: Uncertain significance for Familial adenomatous polyposis 2. Last evaluated: 2025-04-28. Review status: criteria provided, single submitter. Criteria: Invitae Variant Classification Sherloc (09022015). Collection method: clinical testing. Allele origin: germline.
Comment: This sequence change replaces arginine, which is basic and polar, with glutamine, which is neutral and polar, at codon 109 of the MUTYH protein (p.Arg109Gln). This variant is present in population databases (no rsID available, gnomAD 0.004%). This missense change has been observed in individual(s) with polyposis (PMID: 24470512). ClinVar contains an entry for this variant (Variation ID: 492032). An algorithm developed to predict the effect of missense changes on protein structure and function (PolyPhen-2) suggests that this variant is likely to be disruptive. This variant disrupts the p.Arg109 amino acid residue in MUTYH. Other variant(s) that disrupt this residue have been determined to be pathogenic (PMID: 19732775, 21520333, 24799981, 25980754, 27705013). This suggests that this residue is clinically significant, and that variants that disrupt this residue are likely to be disease-causing. In summary, the available evidence is currently insufficient to determine the role of this variant in disease. Therefore, it has been classified as a Variant of Uncertain Significance.

All of Us Research Program, National Institutes of Health
Classification: Uncertain significance for Familial adenomatous polyposis 2. Last evaluated: 2024-02-22. Review status: criteria provided, single submitter. Criteria: ACMG Guidelines, 2015. Collection method: clinical testing. Allele origin: germline. Inheritance: Autosomal recessive inheritance. Observed: 1 variant allele, 1 heterozygote.
Comment: This missense variant replaces arginine with glutamine at codon 109 of the MUTYH protein. Computational prediction suggests that this variant may have deleterious impact on protein structure and function (internally defined REVEL score threshold >= 0.7, PMID: 27666373). Splice site prediction tools suggest that this variant may not impact RNA splicing. To our knowledge, functional studies have not been performed for this variant. This variant has been reported to co-occur with MUTYH p.Glu410Glyfs*43 in an individual affected with multiple adenomatous and serrated polyps in the literature (PMID: 24470512). This variant has been identified in 1/251482 chromosomes in the general population by the Genome Aggregation Database (gnomAD). The available evidence is insufficient to determine the role of this variant in disease conclusively. Therefore, this variant is classified as a Variant of Uncertain Significance.

This study involves interpretation of variants in research participants for the purpose of population health screening. Participant phenotype was not available at the time of variant classification. Additional details can be found in publication PMID: 35346344, PMCID: PMC8962531

Ambry Genetics
Classification: Uncertain significance for Hereditary cancer-predisposing syndrome. Last evaluated: 2020-04-01. Review status: criteria provided, single submitter. Criteria: Ambry Variant Classification Scheme 2023. Collection method: clinical testing. Allele origin: germline.

Color Diagnostics, LLC DBA Color Health
Classification: Uncertain significance for Hereditary cancer-predisposing syndrome. Last evaluated: 2020-01-17. Review status: criteria provided, single submitter. Criteria: ACMG Guidelines, 2015. Collection method: clinical testing. Allele origin: germline.
Comment: This missense variant replaces arginine with glutamine at codon 109 of the MUTYH protein. Computational prediction suggests that this variant may have deleterious impact on protein structure and function (internally defined REVEL score threshold >= 0.7, PMID: 27666373). Splice site prediction tools suggest that this variant may not impact RNA splicing. To our knowledge, functional studies have not been performed for this variant. This variant has been reported to co-occur with MUTYH p.Glu410Glyfs*43 in an individual affected with multiple adenomatous and serrated polyps in the literature (PMID: 24470512). This variant has been identified in 1/251482 chromosomes in the general population by the Genome Aggregation Database (gnomAD). The available evidence is insufficient to determine the role of this variant in disease conclusively. Therefore, this variant is classified as a Variant of Uncertain Significance.

Literature cited by the submitters: PubMed 24470512 (cited by Labcorp Genetics (formerly Invitae), Labcorp and All of Us Research Program, National Institutes of Health); PubMed 19732775 (cited by Labcorp Genetics (formerly Invitae), Labcorp); PubMed 21520333 (cited by Labcorp Genetics (formerly Invitae), Labcorp); PubMed 24799981 (cited by Labcorp Genetics (formerly Invitae), Labcorp); PubMed 25980754 (cited by Labcorp Genetics (formerly Invitae), Labcorp); PubMed 27705013 (cited by Labcorp Genetics (formerly Invitae), Labcorp).

NM_001048174.2(MUTYH):c.242G>A (p.Arg81Gln)

Gene: MUTYH (mutY DNA glycosylase; minus strand). Cytogenetic location: 1p34.1.
Variant type: single nucleotide variant.
Coding change: c.242G>A on transcript NM_001048174.2 (MANE Select); coding-DNA position 242, G replaced by A.
Protein change: p.Arg81Gln; replaces arginine 81 with glutamine.
Molecular consequence: missense variant. On other transcripts: 5 prime UTR variant (4), non-coding transcript variant (2).
Genome position (GRCh38, 1-based): chr1:45,333,435, C>T on the plus strand (G>A on the coding strand, the complement: MUTYH is on the minus strand). VCF-style: chr1-45333435-C-T. GRCh37 (hg19) VCF-style: chr1-45799107-C-T.
Other names: c.242G>A, p.Arg81Gln (NM_001048171.2, NM_001048173.2, NM_001293195.2); c.245G>A, p.Arg82Gln (NM_001048172.2); c.326G>A, p.Arg109Gln (NM_001128425.2); c.287G>A, p.Arg96Gln (NM_001293190.2); c.275G>A, p.Arg92Gln (NM_001293191.2); c.-35G>A (NM_001293192.2, NM_001293196.2); c.-30G>A (NM_001350650.2, NM_001350651.2); c.317G>A, p.Arg106Gln (NM_012222.3); short protein forms R109Q, R106Q, R82Q, R81Q, R92Q, R96Q.
Identifiers: ClinVar variation 492032 (VCV000492032.17), dbSNP rs761763725, ClinGen allele CA21839643.